The following is an entry in ClinVar:

ClinVar aggregate classification (germline): Likely pathogenic. Review status: criteria provided, multiple submitters, no conflicts (2 of 4 stars). 5 submissions from 5 submitters: Likely pathogenic (5). Last evaluated 2024-11-02.

Conditions:
PYGM-related disorder. Also called: PYGM-related condition.
Glycogen storage disease, type V (GSD5). Also called: MCARDLE DISEASE; PYGM DEFICIENCY; McArdle type glycogen storage disease; MUSCLE GLYCOGEN PHOSPHORYLASE DEFICIENCY; MYOPHOSPHORYLASE DEFICIENCY. Identifiers: Orphanet 368, MedGen C0017924, MONDO:0009293, OMIM 232600.

gnomAD v4.1: 4 of 1,614,066 alleles (0.00025%); highest among the groups gnomAD compares: South Asian, 0.0022%; no homozygotes.

Submissions (5):

Natera, Inc.
Classification: Likely pathogenic for Glycogen storage disease V. Last evaluated: 2024-11-02. Review status: criteria provided, single submitter. Criteria: Natera Variant Classification Schema (03/2026). Collection method: clinical testing. Allele origin: germline.
Comment: The c.2177+1G>T variant in PYGM is a canonical splice donor site variant predicted to affect pre-mRNA splicing, which may result in an abnormal transcript and altered protein product. This variant is expected to result in nonsense mediated decay, truncation, or a dysfunctional protein product. This variant is rare in the general population with a frequency below the threshold expected for the associated phenotype(s). Given the available evidence, this variant is classified as Likely Pathogenic.

Fulgent Genetics
Classification: Likely pathogenic for Glycogen storage disease, type V. Last evaluated: 2024-04-22. Review status: criteria provided, single submitter. Criteria: ACMG Guidelines, 2015. Collection method: clinical testing. Allele origin: germline.

Labcorp Genetics (formerly Invitae), Labcorp
Classification: Likely pathogenic for Glycogen storage disease, type V. Last evaluated: 2024-03-03. Review status: criteria provided, single submitter. Criteria: Invitae Variant Classification Sherloc (09022015). Collection method: clinical testing. Allele origin: germline.
Comment: This sequence change affects a donor splice site in intron 17 of the PYGM gene. It is expected to disrupt RNA splicing. Variants that disrupt the donor or acceptor splice site typically lead to a loss of protein function (PMID: 16199547), and loss-of-function variants in PYGM are known to be pathogenic (PMID: 8316268, 16786513). This variant is present in population databases (no rsID available, gnomAD 0.0009%). This variant has not been reported in the literature in individuals affected with PYGM-related conditions. Algorithms developed to predict the effect of sequence changes on RNA splicing suggest that this variant may disrupt the consensus splice site. In summary, the currently available evidence indicates that the variant is pathogenic, but additional data are needed to prove that conclusively. Therefore, this variant has been classified as Likely Pathogenic.

Baylor Genetics
Classification: Likely pathogenic for Glycogen storage disease, type V. Last evaluated: 2023-08-08. Review status: criteria provided, single submitter. Criteria: ACMG Guidelines, 2015. Collection method: clinical testing. Allele origin: unknown.

Blueprint Genetics
Classification: Likely pathogenic for PYGM-related disorders. Last evaluated: 2019-12-20. Review status: criteria provided, single submitter. Criteria: ACMG Guidelines, 2015. Collection method: clinical testing. Allele origin: germline. Affected: yes. Observed: 1 variant allele.

Literature cited by the submitters: PubMed 16199547 (cited by Labcorp Genetics (formerly Invitae), Labcorp); PubMed 8316268 (cited by Labcorp Genetics (formerly Invitae), Labcorp); PubMed 16786513 (cited by Labcorp Genetics (formerly Invitae), Labcorp).

NM_005609.4(PYGM):c.2177+1G>T

Gene: PYGM (glycogen phosphorylase, muscle associated; minus strand). Cytogenetic location: 11q13.1.
Variant type: single nucleotide variant.
Coding change: c.2177+1G>T on transcript NM_005609.4 (MANE Select); the canonical splice donor site of the intron after coding-DNA position 2177, G replaced by T.
Molecular consequence: splice donor variant.
Genome position (GRCh38, 1-based): chr11:64,750,375, C>A on the plus strand (G>T on the coding strand, the complement: PYGM is on the minus strand). VCF-style: chr11-64750375-C-A. GRCh37 (hg19) VCF-style: chr11-64517847-C-A.
Other names: c.1913+1G>T (NM_001164716.1); c.2177+1G>T (NM_005609.3).
Identifiers: ClinVar variation 2678122 (VCV002678122.7), dbSNP rs751875471, ClinGen allele CA381167477.
Genomic context (GRCh38, chr11:64,750,375, plus strand): 5'-AGCACCACTCTCCAGCAGCCACACCTGGGTGTCTTTTGCCCGTGAACCCTGACCCCCATA[C>A]CCTCTTTGGTCAAGCTTATCCACATCCTCCACCCGCATGCCAAAGATGAAGAAGTTTTCC-3'